The following is an entry in ClinVar:

NM_001846.4(COL4A2):c.*371A>G

Gene: COL4A2 (collagen type IV alpha 2 chain; plus strand). Cytogenetic location: 13q34.
Variant type: single nucleotide variant.
Coding change: c.*371A>G on transcript NM_001846.4 (MANE Select); 371 bases downstream of the stop codon, A replaced by G.
Molecular consequence: 3 prime UTR variant.
Genome position (GRCh38, 1-based): chr13:110,512,562, A>G. VCF-style: chr13-110512562-A-G. GRCh37 (hg19) VCF-style: chr13-111164909-A-G.
Identifiers: ClinVar variation 881358 (VCV000881358.4), dbSNP rs576821082, ClinGen allele CA256320932.

ClinVar aggregate classification (germline): Benign (1 of 4 stars; one submission).

Conditions:
Brain small vessel disease 2A, autosomal dominant. Also called: Porencephaly 2. Identifiers: Orphanet 2940, Orphanet 99810, MedGen C3280970, MONDO:0013773, OMIM 614483.

Allele frequency attached by ClinVar (database versions not stated): gnomAD exomes 0.00001; TOPMed 0.00004; gnomAD 0.00005 and 0.00006; 1000 Genomes Project 0.00040; 1000 Genomes Project 30x 0.00047.
gnomAD v4.1: 11 of 224,076 alleles (0.0049%); highest among the groups gnomAD compares: South Asian, 0.022%; no homozygotes.

Submission:

Illumina Laboratory Services, Illumina
Classification: Benign for Brain small vessel disease 2A, autosomal dominant. Last evaluated: 2018-01-13. Review status: criteria provided, single submitter. Criteria: ICSL Variant Classification Criteria 13 December 2019. Collection method: clinical testing. Allele origin: germline.
Comment: This variant was observed in the ICSL laboratory as part of a predisposition screen in an ostensibly healthy population. It had not been previously curated by ICSL or reported in the Human Gene Mutation Database (HGMD: prior to June 1st, 2018), and was therefore a candidate for classification through an automated scoring system. Utilizing variant allele frequency, disease prevalence and penetrance estimates, and inheritance mode, an automated score was calculated to assess if this variant is too frequent to cause the disease. Based on the score and internal cut-off values, a variant classified as benign is not then subjected to further curation. The score for this variant resulted in a classification of benign for this disease.